The following is an entry in ClinVar:

ClinVar aggregate classification (germline): Uncertain significance (1 of 4 stars; one submission).

Conditions:
Familial intrahepatic cholestasis. Identifiers: Orphanet 284385, MedGen CN296401, MONDO:0017290.

Submission:

Genomenon, Inc
Classification: Uncertain significance for Familial intrahepatic cholestasis. Last evaluated: 2026-04-14. Review status: criteria provided, single submitter. Criteria: Genomenon Sequence Variant Interpretation Standards - Updated. Collection method: curation. Allele origin: germline. Affected: no.
Comment: ABCB11 p.Leu339Val (c.1015C>G) is a missense variant that changes the amino acid at residue 339 from Leucine to Valine. This variant has been reported in the published literature (PMID:12717091;22795478;12404240;18692205). It is absent or not present at a significant frequency in gnomAD. In silico models predict that this variant is possibly or probably damaging. In conclusion, we classify ABCB11 p.Leu339Val (c.1015C>G) as a variant of uncertain significance.

Literature cited by the submitters: PubMed 12717091; PubMed 22795478; PubMed 12404240; PubMed 18692205.

NM_003742.4(ABCB11):c.1015C>G (p.Leu339Val)

Gene: ABCB11 (ATP binding cassette subfamily B member 11; minus strand). Cytogenetic location: 2q31.1.
Variant type: single nucleotide variant.
Coding change: c.1015C>G on transcript NM_003742.4 (MANE Select); coding-DNA position 1015, C replaced by G.
Protein change: p.Leu339Val; replaces leucine 339 with valine.
Molecular consequence: missense variant.
Genome position (GRCh38, 1-based): chr2:168,986,178, G>C on the plus strand (C>G on the coding strand, the complement: ABCB11 is on the minus strand). VCF-style: chr2-168986178-G-C. GRCh37 (hg19) VCF-style: chr2-169842688-G-C.
Other names: short protein forms L339V.
Identifiers: ClinVar variation 4846086 (VCV004846086.1).